The following is an entry in ClinVar:

NM_006531.5(IFT88):c.1337G>A (p.Ser446Asn)

Gene: IFT88 (intraflagellar transport 88; plus strand). Cytogenetic location: 13q12.11.
Variant type: single nucleotide variant.
Coding change: c.1337G>A on transcript NM_006531.5 (MANE Select); coding-DNA position 1337, G replaced by A.
Protein change: p.Ser446Asn; replaces serine 446 with asparagine.
Molecular consequence: missense variant. On other transcripts: non-coding transcript variant (5).
Genome position (GRCh38, 1-based): chr13:20,631,053, G>A. VCF-style: chr13-20631053-G-A. GRCh37 (hg19) VCF-style: chr13-21205192-G-A.
Other names: c.1280G>A, p.Ser427Asn (NM_001318491.2, NM_001353575.2); c.1364G>A, p.Ser455Asn (NM_001318493.2, NM_001353565.2, NM_001353566.2 and 2 more transcripts); c.1337G>A, p.Ser446Asn (NM_001353568.2, NM_001353572.2); c.1262G>A, p.Ser421Asn (NM_001353569.2, NM_001353570.2, NM_001353576.2 and 1 more transcripts); c.1235G>A, p.Ser412Asn (NM_001353571.2, NM_001353578.2); c.1193G>A, p.Ser398Asn (NM_001353573.2); c.1178G>A, p.Ser393Asn (NM_001353574.2); c.704G>A, p.Ser235Asn (NM_001353579.2); short protein forms S455N, S235N, S412N, S393N, S398N, S421N, S427N, S446N.
Identifiers: ClinVar variation 402967 (VCV000402967.13), dbSNP rs9509307, ClinGen allele CA6905379.
Genomic context (GRCh38, chr13:20,631,053, plus strand): 5'-ACCTTCAGATATTCCATTTCTAGGCTGTAGAGATCTTAAAAGTGTTGGAAAAAAAGGACA[G>A]TAGAGTGAAAAGTGCAGCTGCAACCAATCTCTCAGCCCTGTATTATATGGTAAGTTTTTT-3'
Protein context (NP_006522.2, residues 436-456): EILKVLEKKD[Ser446Asn]RVKSAAATNL

ClinVar aggregate classification (germline): Benign. Review status: criteria provided, multiple submitters, no conflicts (2 of 4 stars). 3 submissions from 3 submitters: Benign (3). Last evaluated 2026-02-04.

Allele frequency attached by ClinVar (database versions not stated): ESP Exome Variant Server 0.65823; gnomAD 0.68271 and 0.69473; TOPMed 0.68797; gnomAD exomes 0.74586 and 0.76994; 1000 Genomes Project 30x 0.75687; ExAC 0.76004; 1000 Genomes Project 0.76478.
gnomAD v4.1: 1,186,742 of 1,601,714 alleles (74%); highest among the groups gnomAD compares: East Asian, 100%; 444,969 homozygotes.

Submissions (3):

Labcorp Genetics (formerly Invitae), Labcorp
Classification: Benign. Last evaluated: 2026-02-04. Review status: criteria provided, single submitter. Criteria: Invitae Variant Classification Sherloc (09022015). Collection method: clinical testing. Allele origin: germline.

Laboratory for Molecular Medicine, Mass General Brigham Personalized Medicine
Classification: Benign. Last evaluated: 2016-03-29. Review status: criteria provided, single submitter. Criteria: LMM Criteria. Collection method: clinical testing. Allele origin: germline.
Comment: Variant identified in a genome or exome case(s) and assessed due to predicted null impact of the variant or pathogenic assertions in the literature or databases. Disclaimer: This variant has not undergone full assessment. The following are preliminary notes: Frequency

Breakthrough Genomics
Classification: Benign. Review status: criteria provided, single submitter. Criteria: ACMG Guidelines, 2015. Collection method: not provided. Allele origin: germline. Inheritance: Unknown mechanism. Affected: yes.